The following is an entry in ClinVar:

NM_001349338.3(FOXP1):c.1786G>A (p.Gly596Ser)

Gene: FOXP1 (forkhead box P1; minus strand). Cytogenetic location: 3p13.
Variant type: single nucleotide variant.
Coding change: c.1786G>A on transcript NM_001349338.3 (MANE Select); coding-DNA position 1786, G replaced by A.
Protein change: p.Gly596Ser; replaces glycine 596 with serine.
Molecular consequence: missense variant. On other transcripts: non-coding transcript variant (2).
Genome position (GRCh38, 1-based): chr3:70,965,993, C>T on the plus strand (G>A on the coding strand, the complement: FOXP1 is on the minus strand). VCF-style: chr3-70965993-C-T. GRCh37 (hg19) VCF-style: chr3-71015144-C-T.
Other names: c.1486G>A, p.Gly496Ser (NM_001349342.3, NM_001244813.3, NM_001244815.2); c.1483G>A, p.Gly495Ser (NM_001349343.3, NM_001349344.3, NM_001370548.1 and 1 more transcripts); c.1786G>A, p.Gly596Ser (NM_032682.6, NM_001244816.2, NM_001349340.3 and 1 more transcripts); c.1783G>A, p.Gly595Ser (NM_001349341.3, NM_001244808.3); c.1834G>A, p.Gly612Ser (NM_001244810.2); c.1558G>A, p.Gly520Ser (NM_001244812.3); short protein forms G496S, G520S, G495S, G595S, G612S, G596S.
Identifiers: ClinVar variation 2128136 (VCV002128136.4), dbSNP rs2544929972, ClinGen allele CA353489665.

ClinVar aggregate classification (germline): Uncertain significance (1 of 4 stars; one submission).

Allele frequency attached by ClinVar (database versions not stated): gnomAD exomes below 0.00001.
gnomAD v4.1: 4 of 1,614,004 alleles (0.00025%); highest among the groups gnomAD compares: Non-Finnish European, 0.00034%; no homozygotes.

Submission:

Labcorp Genetics (formerly Invitae), Labcorp
Classification: Uncertain significance. Last evaluated: 2022-06-28. Review status: criteria provided, single submitter. Criteria: Invitae Variant Classification Sherloc (09022015). Collection method: clinical testing. Allele origin: germline.
Comment: In summary, the available evidence is currently insufficient to determine the role of this variant in disease. Therefore, it has been classified as a Variant of Uncertain Significance. Algorithms developed to predict the effect of missense changes on protein structure and function (SIFT, PolyPhen-2, Align-GVGD) all suggest that this variant is likely to be tolerated. This variant has not been reported in the literature in individuals affected with FOXP1-related conditions. This variant is not present in population databases (gnomAD no frequency). This sequence change replaces glycine, which is neutral and non-polar, with serine, which is neutral and polar, at codon 596 of the FOXP1 protein (p.Gly596Ser).